The following is an entry in ClinVar:

ClinVar aggregate classification (germline): Uncertain significance. Review status: criteria provided, multiple submitters, no conflicts (2 of 4 stars). 2 submissions from 2 submitters: Uncertain significance (2). Last evaluated 2024-10-14.

Conditions:
Epilepsy, familial focal, with variable foci 3 (FFEVF3). Identifiers: MedGen C4310708, MONDO:0014925, OMIM 617118.

gnomAD v4.1: 4 of 1,613,960 alleles (0.00025%); highest among the groups gnomAD compares: African/African-American, 0.0027%; 1 homozygote.

Submissions (2):

Blueprint Genetics
Classification: Uncertain significance. Last evaluated: 2024-10-14. Review status: criteria provided, single submitter. Criteria: ACMG Guidelines, 2015. Collection method: clinical testing. Allele origin: germline.

Labcorp Genetics (formerly Invitae), Labcorp
Classification: Uncertain significance for Epilepsy, familial focal, with variable foci 3. Last evaluated: 2022-12-15. Review status: criteria provided, single submitter. Criteria: Invitae Variant Classification Sherloc (09022015). Collection method: clinical testing. Allele origin: germline.
Comment: This variant has not been reported in the literature in individuals affected with NPRL3-related conditions. In summary, the available evidence is currently insufficient to determine the role of this variant in disease. Therefore, it has been classified as a Variant of Uncertain Significance. Algorithms developed to predict the effect of sequence changes on RNA splicing suggest that this variant may disrupt the consensus splice site. Advanced modeling of protein sequence and biophysical properties (such as structural, functional, and spatial information, amino acid conservation, physicochemical variation, residue mobility, and thermodynamic stability) performed at Invitae indicates that this missense variant is not expected to disrupt NPRL3 protein function. ClinVar contains an entry for this variant (Variation ID: 1388416). This variant is not present in population databases (gnomAD no frequency). This sequence change replaces arginine, which is basic and polar, with glutamine, which is neutral and polar, at codon 284 of the NPRL3 protein (p.Arg284Gln).

NM_001077350.3(NPRL3):c.851G>A (p.Arg284Gln)

Genes: HBA-LCR (alpha-globin locus control region; plus strand), NPRL3 (NPR3 like, GATOR1 complex subunit; minus strand). Cytogenetic location: 16p13.3.
Variant type: single nucleotide variant.
Coding change: c.851G>A on transcript NM_001077350.3 (MANE Select); coding-DNA position 851, G replaced by A.
Protein change: p.Arg284Gln; replaces arginine 284 with glutamine.
Molecular consequence: missense variant.
Genome position (GRCh38, 1-based): chr16:98,218, C>T on the plus strand (G>A on the coding strand, the complement: NPRL3 is on the minus strand). VCF-style: chr16-98218-C-T. GRCh37 (hg19) VCF-style: chr16-148216-C-T.
Other names: c.314G>A, p.Arg105Gln (NM_001039476.3); c.617G>A, p.Arg206Gln (NM_001243247.2); c.776G>A, p.Arg259Gln (NM_001243248.2, NM_001243249.2); short protein forms R259Q, R206Q, R105Q, R284Q.
Identifiers: ClinVar variation 1388416 (VCV001388416.7), dbSNP rs1437185591, ClinGen allele CA394055365.